The following is an entry in ClinVar:

ClinVar aggregate classification (germline): Uncertain significance (1 of 4 stars; one submission).

gnomAD v4.1: 16 of 1,612,332 alleles (0.00099%); highest among the groups gnomAD compares: Middle Eastern, 0.033%; no homozygotes.

Submission:

Labcorp Genetics (formerly Invitae), Labcorp
Classification: Uncertain significance. Last evaluated: 2024-10-21. Review status: criteria provided, single submitter. Criteria: Invitae Variant Classification Sherloc (09022015). Collection method: clinical testing. Allele origin: germline.
Comment: This sequence change replaces arginine, which is basic and polar, with cysteine, which is neutral and slightly polar, at codon 395 of the IL6ST protein (p.Arg395Cys). This variant is present in population databases (rs139103669, gnomAD 0.03%). This variant has not been reported in the literature in individuals affected with IL6ST-related conditions. An algorithm developed to predict the effect of missense changes on protein structure and function (PolyPhen-2) suggests that this variant is likely to be disruptive. In summary, the available evidence is currently insufficient to determine the role of this variant in disease. Therefore, it has been classified as a Variant of Uncertain Significance.

NM_002184.4(IL6ST):c.1183C>T (p.Arg395Cys)

Gene: IL6ST (interleukin 6 cytokine family signal transducer; minus strand). Cytogenetic location: 5q11.2.
Variant type: single nucleotide variant.
Coding change: c.1183C>T on transcript NM_002184.4 (MANE Select); coding-DNA position 1183, C replaced by T.
Protein change: p.Arg395Cys; replaces arginine 395 with cysteine.
Molecular consequence: missense variant. On other transcripts: 3 prime UTR variant (1), non-coding transcript variant (2).
Genome position (GRCh38, 1-based): chr5:55,956,109, G>A on the plus strand (C>T on the coding strand, the complement: IL6ST is on the minus strand). VCF-style: chr5-55956109-G-A. GRCh37 (hg19) VCF-style: chr5-55251937-G-A.
Other names: c.1183C>T, p.Arg395Cys (NM_001190981.2, NM_001364275.2); c.973C>T, p.Arg325Cys (NM_001364276.2); c.316C>T, p.Arg106Cys (NM_001364277.2); c.280C>T, p.Arg94Cys (NM_001364278.2); c.187C>T, p.Arg63Cys (NM_001364279.2); c.*110C>T (NM_175767.3); short protein forms R395C, R94C, R63C, R325C, R106C.
Identifiers: ClinVar variation 3716954 (VCV003716954.2).
Genomic context (GRCh38, chr5:55,956,109, plus strand): 5'-TTAAAACAGCTGCATCTGATTTGCCAACAAGATTTCTTACTGTTAGGGTTGCTAGATAGC[G>A]ATCATTTGTGAGATTTACTGTCAGTTTTGTGGCATTAACTGTGTAATTTTGTAAATGTGA-3'
Protein context (NP_002175.2, residues 385-405): TKLTVNLTND[Arg395Cys]YLATLTVRNL